The following is an entry in ClinVar:

NM_017849.4(TMEM127):c.651C>T (p.Asn217=)

Gene: TMEM127 (transmembrane protein 127; minus strand). Cytogenetic location: 2q11.2.
Variant type: single nucleotide variant.
Coding change: c.651C>T on transcript NM_017849.4 (MANE Select); coding-DNA position 651, C replaced by T.
Protein change: p.Asn217=; no amino-acid change (asparagine 217 retained).
Molecular consequence: synonymous variant.
Genome position (GRCh38, 1-based): chr2:96,253,874, G>A on the plus strand (C>T on the coding strand, the complement: TMEM127 is on the minus strand). VCF-style: chr2-96253874-G-A. GRCh37 (hg19) VCF-style: chr2-96919612-G-A.
Other names: c.651C>T, p.Asn217= (NM_001193304.3).
Identifiers: ClinVar variation 532538 (VCV000532538.17), dbSNP rs759801591, ClinGen allele CA1777264.
Genomic context (GRCh38, chr2:96,253,874, plus strand): 5'-TGTGTAAGCAGGGGGTGGCTGGAACTGGTTGATGACCTCATATTCCGCCGGGTAGGGCTC[G>A]TTCTCTTCCATCTCTGAGAGCAGCTCCAGCGCCTGCTCCTCTTCCTCTGTGGGGTAGTGG-3'
Protein context (NP_060319.1, residues 207-227): ALELLSEMEE[Asn217=]EPYPAEYEVI

ClinVar aggregate classification (germline): Benign/Likely benign. Review status: criteria provided, multiple submitters, no conflicts (2 of 4 stars). 5 submissions from 5 submitters: Benign (1); Likely benign (4). Last evaluated 2026-09-01.

Conditions:
Hereditary pheochromocytoma and paraganglioma. Also called: Hereditary paragangliomas and pheochromocytomas; Hereditary Paraganglioma-Pheochromocytoma Syndromes; Hereditary pheochromocytoma-paraganglioma. Identifiers: Orphanet 29072, MedGen C4274332, MONDO:0017366.
Hereditary cancer-predisposing syndrome. Also called: Tumor predisposition; Neoplastic Syndromes, Hereditary; Hereditary Cancer Syndrome; Hereditary neoplastic syndrome. Identifiers: Orphanet 140162, MedGen C0027672, MeSH D009386, MONDO:0015356.

Allele frequency attached by ClinVar (database versions not stated): TOPMed 0.00002; gnomAD 0.00001; gnomAD exomes 0.00001; ExAC 0.00002.
gnomAD v4.1: 21 of 1,613,964 alleles (0.0013%); highest among the groups gnomAD compares: East Asian, 0.0045%; no homozygotes.

Submissions (5):

CeGaT Center for Human Genetics Tuebingen
Classification: Likely benign. Last evaluated: 2026-09-01. Review status: criteria provided, single submitter. Criteria: CeGaT Center For Human Genetics Tuebingen Variant Classification Criteria Version 2. Collection method: clinical testing. Allele origin: germline. Affected: yes. Observed: 1 variant allele.
Comment: TMEM127: BP4, BP7

Myriad Genetics, Inc.
Classification: Benign for Hereditary pheochromocytoma and paraganglioma. Last evaluated: 2026-07-30. Review status: criteria provided, single submitter. Criteria: Myriad Autosomal Dominant, Autosomal Recessive and X-Linked Classification Criteria (2023). Collection method: clinical testing. Allele origin: unknown.
Comment: This variant is considered benign. This variant is a silent/synonymous amino acid change and it is not expected to impact splicing.

Labcorp Genetics (formerly Invitae), Labcorp
Classification: Likely benign for Hereditary pheochromocytoma and paraganglioma. Last evaluated: 2026-01-26. Review status: criteria provided, single submitter. Criteria: Invitae Variant Classification Sherloc (09022015). Collection method: clinical testing. Allele origin: germline.

Ambry Genetics
Classification: Likely benign for Hereditary cancer-predisposing syndrome. Last evaluated: 2019-07-18. Review status: criteria provided, single submitter. Criteria: Ambry Variant Classification Scheme 2023. Collection method: clinical testing. Allele origin: germline.

Breakthrough Genomics
Classification: Likely benign. Review status: criteria provided, single submitter. Criteria: ACMG Guidelines, 2015. Collection method: not provided. Allele origin: germline. Inheritance: Autosomal dominant inheritance. Affected: yes.